The following is an entry in ClinVar:

ClinVar aggregate classification (germline): Uncertain significance (1 of 4 stars; one submission).

Conditions:
Combined immunodeficiency due to STIM1 deficiency. Also called: IMMUNODEFICIENCY 10; STIM1 DEFICIENCY. Identifiers: Orphanet 169090, Orphanet 317430, MedGen C2748557, MONDO:0013008, OMIM 612783.
Stormorken syndrome (STRMK). Also called: THROMBOCYTOPATHY, ASPLENIA, AND MIOSIS. Identifiers: Orphanet 3204, MedGen C1861451, MONDO:0008497, OMIM 185070.
Myopathy with tubular aggregates (TAM). Also called: Tubular Aggregate Myopathy. Identifiers: Orphanet 2593, MedGen C0410207, MONDO:0008051.

Allele frequency attached by ClinVar (database versions not stated): gnomAD exomes 0.00001.
gnomAD v4.1: 4 of 1,614,186 alleles (0.00025%); highest among the groups gnomAD compares: East Asian, 0.0089%; no homozygotes.

Submission:

Labcorp Genetics (formerly Invitae), Labcorp
Classification: Uncertain significance for Myopathy with tubular aggregates; Combined immunodeficiency due to STIM1 deficiency; Stormorken syndrome. Last evaluated: 2023-10-23. Review status: criteria provided, single submitter. Criteria: Invitae Variant Classification Sherloc (09022015). Collection method: clinical testing. Allele origin: germline.
Comment: This sequence change replaces glycine, which is neutral and non-polar, with alanine, which is neutral and non-polar, at codon 607 of the STIM1 protein (p.Gly607Ala). This variant is not present in population databases (gnomAD no frequency). This variant has not been reported in the literature in individuals affected with STIM1-related conditions. Advanced modeling of protein sequence and biophysical properties (such as structural, functional, and spatial information, amino acid conservation, physicochemical variation, residue mobility, and thermodynamic stability) has been performed at Invitae for this missense variant, however the output from this modeling did not meet the statistical confidence thresholds required to predict the impact of this variant on STIM1 protein function. In summary, the available evidence is currently insufficient to determine the role of this variant in disease. Therefore, it has been classified as a Variant of Uncertain Significance.

NM_001382567.1(STIM1):c.1913G>C (p.Gly638Ala)

Genes: STIM1 (stromal interaction molecule 1; plus strand), LOC124418421 (Sharpr-MPRA regulatory region 9588; plus strand). Cytogenetic location: 11p15.4.
Variant type: single nucleotide variant.
Coding change: c.1913G>C on transcript NM_001382567.1 (MANE Select); coding-DNA position 1913, G replaced by C.
Protein change: p.Gly638Ala; replaces glycine 638 with alanine.
Molecular consequence: missense variant. On other transcripts: 3 prime UTR variant (4), non-coding transcript variant (3).
Genome position (GRCh38, 1-based): chr11:4,091,560, G>C. VCF-style: chr11-4091560-G-C. GRCh37 (hg19) VCF-style: chr11-4112790-G-C.
Other names: c.2138G>C, p.Gly713Ala (NM_001277961.3); c.*234G>C (NM_001277962.2, NM_001382578.1, NM_001382579.1 and 1 more transcripts); c.1916G>C, p.Gly639Ala (NM_001382566.1); c.1841G>C, p.Gly614Ala (NM_001382568.1); c.1685G>C, p.Gly562Ala (NM_001382569.1); c.1592G>C, p.Gly531Ala (NM_001382570.1); c.1340G>C, p.Gly447Ala (NM_001382571.1); c.1598G>C, p.Gly533Ala (NM_001382575.1, NM_001382576.1, NM_001382577.1); and 2 more; short protein forms G447A, G531A, G533A, G562A, G444A, G614A, G638A, G639A.
Identifiers: ClinVar variation 2953000 (VCV002953000.3), dbSNP rs2094525410, ClinGen allele CA379197509.